The following is an entry in ClinVar:

NM_007315.4(STAT1):c.1257G>A (p.Thr419=)

Gene: STAT1 (signal transducer and activator of transcription 1; minus strand). Cytogenetic location: 2q32.2.
Variant type: single nucleotide variant.
Coding change: c.1257G>A on transcript NM_007315.4 (MANE Select); coding-DNA position 1257, G replaced by A.
Protein change: p.Thr419=; no amino-acid change (threonine 419 retained).
Molecular consequence: synonymous variant.
Genome position (GRCh38, 1-based): chr2:190,985,625, C>T on the plus strand (G>A on the coding strand, the complement: STAT1 is on the minus strand). VCF-style: chr2-190985625-C-T. GRCh37 (hg19) VCF-style: chr2-191850351-C-T.
Other names: c.1197G>A, p.Thr399= (NM_001384880.1); c.1263G>A, p.Thr421= (NM_001384881.1, NM_001384884.1); c.1251G>A, p.Thr417= (NM_001384882.1); c.1158G>A, p.Thr386= (NM_001384883.1); c.1098G>A, p.Thr366= (NM_001384885.1); c.1257G>A, p.Thr419= (NM_001384886.1, NM_001384889.1, NM_139266.3); c.1164G>A, p.Thr388= (NM_001384887.1); c.1227G>A, p.Thr409= (NM_001384888.1); and 2 more.
Identifiers: ClinVar variation 541827 (VCV000541827.37), dbSNP rs73979321, ClinGen allele CA2029989.

ClinVar aggregate classification (germline): Benign/Likely benign. Review status: criteria provided, multiple submitters, no conflicts (2 of 4 stars). 4 submissions from 4 submitters: Benign (1); Likely benign (2). 1 of the submissions does not count toward it. Last evaluated 2026-01-25.

Conditions:
STAT1-related disorder. Also called: STAT1-related condition.
Autoimmune enteropathy and endocrinopathy - susceptibility to chronic infections syndrome. Also called: Immunodeficiency 31C; Immunodeficiency 31C, autosomal dominant. Identifiers: Orphanet 391487, MedGen C3279990, MONDO:0013599, OMIM 614162.
Immunodeficiency 31B. Also called: IMMUNODEFICIENCY 31B, MYCOBACTERIAL AND VIRAL INFECTIONS, AUTOSOMAL RECESSIVE; STAT1 DEFICIENCY, AUTOSOMAL RECESSIVE. Identifiers: Orphanet 391311, MedGen C3151088, MONDO:0013427, OMIM 613796.
Mendelian susceptibility to mycobacterial diseases due to partial STAT1 deficiency. Also called: IMMUNODEFICIENCY 31A, MYCOBACTERIOSIS, AUTOSOMAL DOMINANT; STAT1 DEFICIENCY, AUTOSOMAL DOMINANT; Immunodeficiency 31a. Identifiers: Orphanet 319595, MedGen C4013950, MONDO:0013956, OMIM 614892.

Allele frequency attached by ClinVar (database versions not stated): gnomAD exomes 0.00021 and 0.00047; ExAC 0.00051; ESP Exome Variant Server 0.00169; 1000 Genomes Project 30x 0.00187; 1000 Genomes Project 0.00200; gnomAD 0.00203 and 0.00224; TOPMed 0.00231.
gnomAD v4.1: 635 of 1,614,176 alleles (0.039%); highest among the groups gnomAD compares: African/African-American, 0.7%; 3 homozygotes.

Submissions (4):

Labcorp Genetics (formerly Invitae), Labcorp
Classification: Benign for Mendelian susceptibility to mycobacterial diseases due to partial STAT1 deficiency; Immunodeficiency 31B; Autoimmune enteropathy and endocrinopathy - susceptibility to chronic infections syndrome. Last evaluated: 2026-01-25. Review status: criteria provided, single submitter. Criteria: Invitae Variant Classification Sherloc (09022015). Collection method: clinical testing. Allele origin: germline.

Blueprint Genetics
Classification: Likely benign. Last evaluated: 2024-11-26. Review status: criteria provided, single submitter. Criteria: ACMG Guidelines, 2015. Collection method: clinical testing. Allele origin: germline.

CeGaT Center for Human Genetics Tuebingen
Classification: Likely benign. Last evaluated: 2022-12-01. Review status: criteria provided, single submitter. Criteria: CeGaT Center For Human Genetics Tuebingen Variant Classification Criteria Version 2. Collection method: clinical testing. Allele origin: germline. Affected: yes. Observed: 1 variant allele.
Comment: STAT1: BP4, BP7, BS2

PreventionGenetics, part of Exact Sciences
Classification: Likely benign for STAT1-related condition. Last evaluated: 2024-02-10. Review status: no assertion criteria provided. Collection method: clinical testing. Allele origin: germline. Not counted in ClinVar's aggregate classification.
Comment: This variant is classified as likely benign based on ACMG/AMP sequence variant interpretation guidelines (Richards et al. 2015 PMID: 25741868, with internal and published modifications).